The following is an entry in ClinVar:

ClinVar aggregate classification (germline): Uncertain significance (1 of 4 stars; one submission).

Submission:

Labcorp Genetics (formerly Invitae), Labcorp
Classification: Uncertain significance. Last evaluated: 2022-08-19. Review status: criteria provided, single submitter. Criteria: Invitae Variant Classification Sherloc (09022015). Collection method: clinical testing. Allele origin: germline.
Comment: This sequence change replaces histidine, which is basic and polar, with arginine, which is basic and polar, at codon 47 of the PROM1 protein (p.His47Arg). In summary, the available evidence is currently insufficient to determine the role of this variant in disease. Therefore, it has been classified as a Variant of Uncertain Significance. Algorithms developed to predict the effect of missense changes on protein structure and function are either unavailable or do not agree on the potential impact of this missense change (SIFT: "Tolerated"; PolyPhen-2: "Possibly Damaging"; Align-GVGD: "Class C0"). This variant has not been reported in the literature in individuals affected with PROM1-related conditions. This variant is not present in population databases (gnomAD no frequency).

NM_006017.3(PROM1):c.140A>G (p.His47Arg)

Gene: PROM1 (prominin 1; minus strand). Cytogenetic location: 4p15.32.
Variant type: single nucleotide variant.
Coding change: c.140A>G on transcript NM_006017.3 (MANE Select); coding-DNA position 140, A replaced by G.
Protein change: p.His47Arg; replaces histidine 47 with arginine.
Molecular consequence: missense variant.
Genome position (GRCh38, 1-based): chr4:16,075,767, T>C on the plus strand (A>G on the coding strand, the complement: PROM1 is on the minus strand). VCF-style: chr4-16075767-T-C. GRCh37 (hg19) VCF-style: chr4-16077390-T-C.
Other names: c.140A>G, p.His47Arg (NM_001371407.1, NM_001371408.1, NM_001145847.2 and 6 more transcripts); short protein forms H47R.
Identifiers: ClinVar variation 1965698 (VCV001965698.5), dbSNP rs1743829785, ClinGen allele CA356437891.